The following is an entry in ClinVar:

NM_000548.5(TSC2):c.3311A>C (p.Gln1104Pro)

Gene: TSC2 (TSC complex subunit 2; plus strand). Cytogenetic location: 16p13.3.
Variant type: single nucleotide variant.
Coding change: c.3311A>C on transcript NM_000548.5 (MANE Select); coding-DNA position 3311, A replaced by C.
Protein change: p.Gln1104Pro; replaces glutamine 1104 with proline.
Molecular consequence: missense variant.
Genome position (GRCh38, 1-based): chr16:2,079,583, A>C. VCF-style: chr16-2079583-A-C. GRCh37 (hg19) VCF-style: chr16-2129584-A-C.
Other names: c.3179A>C, p.Gln1060Pro (NM_001077183.3, NM_001370404.1); c.3311A>C, p.Gln1104Pro (NM_001114382.3); c.3071A>C, p.Gln1024Pro (NM_001318827.2); c.3035A>C, p.Gln1012Pro (NM_001318829.2); c.2579A>C, p.Gln860Pro (NM_001318831.2); c.3212A>C, p.Gln1071Pro (NM_001318832.2); c.3182A>C, p.Gln1061Pro (NM_001363528.2, NM_001370405.1, NM_021055.3); short protein forms Q1012P, Q1024P, Q1060P, Q1061P, Q1071P, Q1104P, Q860P.
Identifiers: ClinVar variation 1307148 (VCV001307148.2), dbSNP rs869144637, ClinGen allele CA394286565.

ClinVar aggregate classification (germline): Uncertain significance (1 of 4 stars; one submission).

Submission:

GeneDx
Classification: Uncertain significance. Last evaluated: 2019-07-11. Review status: criteria provided, single submitter. Criteria: GeneDx Variant Classification Process June 2021. Collection method: clinical testing. Allele origin: germline. Affected: yes.
Comment: Not observed in large population cohorts (Lek et al., 2016); In silico analysis, which includes protein predictors and evolutionary conservation, supports that this variant does not alter protein structure/function; Has not been previously published as pathogenic or benign to our knowledge